The following is an entry in ClinVar:

NM_018089.3(ANKZF1):c.1708C>T (p.Pro570Ser)

Gene: ANKZF1 (ankyrin repeat and zinc finger peptidyl tRNA hydrolase 1; plus strand). Cytogenetic location: 2q35.
Variant type: single nucleotide variant.
Coding change: c.1708C>T on transcript NM_018089.3 (MANE Select); coding-DNA position 1708, C replaced by T.
Protein change: p.Pro570Ser; replaces proline 570 with serine.
Molecular consequence: missense variant.
Genome position (GRCh38, 1-based): chr2:219,235,490, C>T. VCF-style: chr2-219235490-C-T. GRCh37 (hg19) VCF-style: chr2-220100212-C-T.
Other names: c.1708C>T, p.Pro570Ser (NM_001042410.2); c.1078C>T, p.Pro360Ser (NM_001282792.2); c.1708C>T (NM_018089.2); short protein forms P360S, P570S.
Identifiers: ClinVar variation 775821 (VCV000775821.12), dbSNP rs77280560, ClinGen allele CA2121144.

ClinVar aggregate classification (germline): Benign. Review status: criteria provided, multiple submitters, no conflicts (2 of 4 stars). 3 submissions from 3 submitters: Benign (2). 1 of the submissions does not count toward it. Last evaluated 2026-01-28.

Conditions:
ANKZF1-related disorder. Also called: ANKZF1-related condition.

Allele frequency attached by ClinVar (database versions not stated): ESP Exome Variant Server 0.01020; gnomAD 0.01070 and 0.01139; TOPMed 0.01142; 1000 Genomes Project 0.01278; 1000 Genomes Project 30x 0.01374.
gnomAD v4.1: 3,294 of 1,613,896 alleles (0.2%); highest among the groups gnomAD compares: African/African-American, 3.8%; 56 homozygotes.

Submissions (3):

Labcorp Genetics (formerly Invitae), Labcorp
Classification: Benign. Last evaluated: 2026-01-28. Review status: criteria provided, single submitter. Criteria: Invitae Variant Classification Sherloc (09022015). Collection method: clinical testing. Allele origin: germline.

Breakthrough Genomics
Classification: Benign. Review status: criteria provided, single submitter. Criteria: ACMG Guidelines, 2015. Collection method: not provided. Allele origin: germline. Inheritance: Unknown mechanism. Affected: yes.

PreventionGenetics, part of Exact Sciences
Classification: Benign for ANKZF1-related condition. Last evaluated: 2019-11-07. Review status: no assertion criteria provided. Collection method: clinical testing. Allele origin: germline. Not counted in ClinVar's aggregate classification.
Comment: This variant is classified as benign based on ACMG/AMP sequence variant interpretation guidelines (Richards et al. 2015 PMID: 25741868, with internal and published modifications).